The following is an entry in ClinVar:

ClinVar aggregate classification (germline): Uncertain significance (1 of 4 stars; one submission).

Conditions:
Hereditary spastic paraplegia 39 (SPG39). Also called: SPASTIC PARAPLEGIA 39, AUTOSOMAL RECESSIVE; Spastic Paraplegia Type 39 (SPG39). Identifiers: Orphanet 139480, MedGen C2677586, MONDO:0012787, OMIM 612020.

Allele frequency attached by ClinVar (database versions not stated): gnomAD 0.00001; gnomAD exomes 0.00001.
gnomAD v4.1: 10 of 1,597,902 alleles (0.00063%); highest among the groups gnomAD compares: Non-Finnish European, 0.00085%; no homozygotes.

Submission:

Labcorp Genetics (formerly Invitae), Labcorp
Classification: Uncertain significance for Hereditary spastic paraplegia 39. Last evaluated: 2022-10-17. Review status: criteria provided, single submitter. Criteria: Invitae Variant Classification Sherloc (09022015). Collection method: clinical testing. Allele origin: germline.
Comment: In summary, the available evidence is currently insufficient to determine the role of this variant in disease. Therefore, it has been classified as a Variant of Uncertain Significance. Advanced modeling of protein sequence and biophysical properties (such as structural, functional, and spatial information, amino acid conservation, physicochemical variation, residue mobility, and thermodynamic stability) has been performed at Invitae for this missense variant, however the output from this modeling did not meet the statistical confidence thresholds required to predict the impact of this variant on PNPLA6 protein function. ClinVar contains an entry for this variant (Variation ID: 1361440). This variant has not been reported in the literature in individuals affected with PNPLA6-related conditions. This variant is present in population databases (no rsID available, gnomAD 0.002%). This sequence change replaces proline, which is neutral and non-polar, with alanine, which is neutral and non-polar, at codon 315 of the PNPLA6 protein (p.Pro315Ala).

NM_001166114.2(PNPLA6):c.1060C>G (p.Pro354Ala)

Gene: PNPLA6 (patatin like domain 6, lysophospholipase; plus strand). Cytogenetic location: 19p13.2.
Variant type: single nucleotide variant.
Coding change: c.1060C>G on transcript NM_001166114.2 (MANE Select); coding-DNA position 1060, C replaced by G.
Protein change: p.Pro354Ala; replaces proline 354 with alanine.
Molecular consequence: missense variant.
Genome position (GRCh38, 1-based): chr19:7,541,576, C>G. VCF-style: chr19-7541576-C-G. GRCh37 (hg19) VCF-style: chr19-7606462-C-G.
Other names: c.1087C>G, p.Pro363Ala (NM_001166111.2); c.943C>G, p.Pro315Ala (NM_001166112.2, NM_001166113.1, NM_006702.5); short protein forms P354A, P315A, P363A.
Identifiers: ClinVar variation 1361440 (VCV001361440.8), dbSNP rs1309856946, ClinGen allele CA403109260.